The following is an entry in ClinVar:

ClinVar aggregate classification (germline): Conflicting classifications of pathogenicity. Review status: criteria provided, conflicting classifications (1 of 4 stars). 3 submissions from 3 submitters: Pathogenic (1); Uncertain significance (1). 1 of the submissions does not count toward it. Last evaluated 2026-07-02.

Conditions:
Retinal dystrophy. Also called: Inherited retinal dystrophy. Identifiers: Orphanet 71862, MedGen C0854723, MeSH D058499, MONDO:0019118, HP:0000556.
Joubert syndrome. Also called: Familial aplasia of the vermis; JOUBERT-BOLTSHAUSER SYNDROME. Identifiers: Orphanet 475, MedGen C5979921, MONDO:0018772.
Meckel-Gruber syndrome. Also called: Dysencephalia splachnocystica; DYSENCEPHALIA SPLANCHNOCYSTICA; GRUBER SYNDROME. Identifiers: Orphanet 564, MedGen C0265215, MONDO:0018921.
Joubert syndrome and related disorders. Identifiers: Orphanet 140874, MedGen C5679612, MONDO:0015369.

gnomAD v4.1: 5 of 1,553,262 alleles (0.00032%); highest among the groups gnomAD compares: Middle Eastern, 0.017%; no homozygotes.

Submissions (3):

Myriad Genetics, Inc.
Classification: Uncertain significance for Joubert syndrome and related disorders. Last evaluated: 2026-07-02. Review status: criteria provided, single submitter. Criteria: Myriad Autosomal Dominant, Autosomal Recessive and X-Linked Classification Criteria (2023). Collection method: clinical testing. Allele origin: unknown.
Comment: NM_001080522.2(CC2D2A):c.4465G>C(D1489H) is a missense variant classified as a variant of uncertain significance in the context of CC2D2A-related disorders. D1489H has been observed in cases with relevant disease (PMID: 37853102, 36319078, Ginevrino_2019_(Thesis)). Relevant functional assessments of this variant are not available in the literature. D1489H has been observed in referenced population frequency databases. In summary, there is insufficient evidence to classify NM_001080522.2(CC2D2A):c.4465G>C(D1489H) as pathogenic or benign. Please note: this variant was assessed in the context of healthy population screening.

Labcorp Genetics (formerly Invitae), Labcorp
Classification: Pathogenic for Joubert syndrome; Meckel-Gruber syndrome. Last evaluated: 2026-01-24. Review status: criteria provided, single submitter. Criteria: Invitae Variant Classification Sherloc (09022015). Collection method: clinical testing. Allele origin: germline.
Comment: This sequence change replaces aspartic acid, which is acidic and polar, with histidine, which is basic and polar, at codon 1489 of the CC2D2A protein (p.Asp1489His). The frequency data for this variant in the population databases is considered unreliable, as metrics indicate poor data quality at this position in the gnomAD database. This missense change has been observed in individual(s) with Joubert syndrome (PMID: 36319078, 37853102). In at least one individual the data is consistent with being in trans (on the opposite chromosome) from a pathogenic variant. It has also been observed to segregate with disease in related individuals. ClinVar contains an entry for this variant (Variation ID: 1957318). Invitae Evidence Modeling of protein sequence and biophysical properties (such as structural, functional, and spatial information, amino acid conservation, physicochemical variation, residue mobility, and thermodynamic stability) indicates that this missense variant is expected to disrupt CC2D2A protein function with a positive predictive value of 95%. For these reasons, this variant has been classified as Pathogenic.

Institute of Human Genetics, Univ. Regensburg, Univ. Regensburg
Classification: Uncertain significance for Retinal dystrophy. Last evaluated: 2022-01-01. Review status: no assertion criteria provided. Criteria: ACMG Guidelines, 2015. Collection method: clinical testing. Allele origin: germline. Affected: yes. Not counted in ClinVar's aggregate classification.

Literature cited by the submitters: PubMed 36319078 (cited by Labcorp Genetics (formerly Invitae), Labcorp); PubMed 37853102 (cited by Labcorp Genetics (formerly Invitae), Labcorp).

NM_001378615.1(CC2D2A):c.4465G>C (p.Asp1489His)

Genes: CC2D2A (coiled-coil and C2 domain containing 2A; plus strand), FBXL5 (F-box and leucine rich repeat protein 5; minus strand). Cytogenetic location: 4p15.32.
Variant type: single nucleotide variant.
Coding change: c.4465G>C on transcript NM_001378615.1 (MANE Select); coding-DNA position 4465, G replaced by C.
Protein change: p.Asp1489His; replaces aspartic acid 1489 with histidine.
Molecular consequence: missense variant.
Genome position (GRCh38, 1-based): chr4:15,597,434, G>C. VCF-style: chr4-15597434-G-C. GRCh37 (hg19) VCF-style: chr4-15599057-G-C.
Other names: c.4318G>C, p.Asp1440His (NM_001378617.1); c.4465G>C, p.Asp1489His (NM_001080522.2); short protein forms D1489H, D1440H.
Identifiers: ClinVar variation 1957318 (VCV001957318.5), dbSNP rs1338289178, ClinGen allele CA356432187.
Genomic context (GRCh38, chr4:15,597,434, plus strand): 5'-TTTATACTTTCTGAACTATTTTCTCTTCTATAGCCTGAAGAGCTAATTTACCAGCGCTCA[G>C]ACAAAGCAGCTGCAGCTGAGCTACAAGACAGGTAACATAACATCCATAAATCCACATGTA-3'
Protein context (NP_001365544.1, residues 1479-1499): QPEELIYQRS[Asp1489His]KAAAAELQDR